The following is an entry in ClinVar:

NM_152641.4(ARID2):c.2164dup (p.Ser722fs)

Gene: ARID2 (AT-rich interaction domain 2; plus strand). Cytogenetic location: 12q12.
Variant type: Duplication.
Coding change: c.2164dup on transcript NM_152641.4 (MANE Select); coding-DNA position 2164, one base duplicated (T; older notation c.2164dupT).
Protein change: p.Ser722fs; shifts the reading frame from serine 722.
Molecular consequence: frameshift variant.
Genome position (GRCh38, 1-based): chr12:45,850,287, T duplicated; the last of 2 consecutive T bases (chr12:45,850,286-45,850,287); duplicating either gives the same sequence. VCF-style (leftmost placement, unchanged base first): chr12-45850285-A-AT. GRCh37 (hg19) VCF-style: chr12-46244068-A-AT.
Other names: c.2164dup, p.Ser722fs (NM_001347839.2); short protein forms S722fs.
Identifiers: ClinVar variation 1879230 (VCV001879230.29), dbSNP rs2547659152, ClinGen allele CA2580085448.
Genomic context (GRCh38, chr12:45,850,285, plus strand): 5'-CTGTCATTCAAAGTAAAGCTCCAATTCCTTGTGAAGTTGTTAAGGCTACAGTTATCCAGA[A>AT]TTCCATACCCCAGACAGGAGTTCCTGTTAGTATTGCTGTTGGAGGAGGACCTCCACAGAG-3'

ClinVar aggregate classification (germline): Pathogenic (1 of 4 stars; one submission).

Submission:

CeGaT Center for Human Genetics Tuebingen
Classification: Pathogenic. Last evaluated: 2022-12-01. Review status: criteria provided, single submitter. Criteria: CeGaT Center For Human Genetics Tuebingen Variant Classification Criteria Version 2. Collection method: clinical testing. Allele origin: germline. Affected: yes. Observed: 1 variant allele.
Comment: ARID2: PVS1, PM2